The following is an entry in ClinVar:

NM_001844.5(COL2A1):c.531+1G>A

Gene: COL2A1 (collagen type II alpha 1 chain; minus strand). Cytogenetic location: 12q13.11.
Variant type: single nucleotide variant.
Coding change: c.531+1G>A on transcript NM_001844.5 (MANE Select); the canonical splice donor site of the intron after coding-DNA position 531, G replaced by A.
Molecular consequence: splice donor variant.
Genome position (GRCh38, 1-based): chr12:47,997,605, C>T on the plus strand (G>A on the coding strand, the complement: COL2A1 is on the minus strand). VCF-style: chr12-47997605-C-T. GRCh37 (hg19) VCF-style: chr12-48391388-C-T.
Other names: c.324+1G>A (NM_033150.3).
Identifiers: ClinVar variation 2442447 (VCV002442447.2), dbSNP rs2540179907, ClinGen allele CA384524628.
Genomic context (GRCh38, chr12:47,997,605, plus strand): 5'-CAATTTAAAAGCCACATTTCTGGAGGGACAGCCTGAAGGAATGGGAAGTAAGGATACTTA[C>T]TCCACCAAGACCAGGGGGACCAGGGGGGCCGGGAGGACCAGGGGGGCCAGGATTTCCAGG-3'

ClinVar aggregate classification (germline): Pathogenic/Likely pathogenic. Review status: criteria provided, multiple submitters, no conflicts (2 of 4 stars). 2 submissions from 2 submitters: Pathogenic (1); Likely pathogenic (1). Last evaluated 2025-08-24.

Submissions (2):

Labcorp Genetics (formerly Invitae), Labcorp
Classification: Likely pathogenic. Last evaluated: 2025-08-24. Review status: criteria provided, single submitter. Criteria: Invitae Variant Classification Sherloc (09022015). Collection method: clinical testing. Allele origin: germline.
Comment: This sequence change affects a donor splice site in intron 7 of the COL2A1 gene. It is expected to disrupt RNA splicing. Variants that disrupt the donor or acceptor splice site typically lead to a loss of protein function (PMID: 16199547), and loss-of-function variants in COL2A1 are known to be pathogenic (PMID: 20179744). This variant is not present in population databases (gnomAD no frequency). This variant has not been reported in the literature in individuals affected with COL2A1-related conditions. ClinVar contains an entry for this variant (Variation ID: 2442447). Algorithms developed to predict the effect of sequence changes on RNA splicing suggest that this variant may disrupt the consensus splice site. In summary, the currently available evidence indicates that the variant is pathogenic, but additional data are needed to prove that conclusively. Therefore, this variant has been classified as Likely Pathogenic.

GeneDx
Classification: Pathogenic. Last evaluated: 2023-03-05. Review status: criteria provided, single submitter. Criteria: GeneDx Variant Classification Process June 2021. Collection method: clinical testing. Allele origin: germline. Affected: yes.
Comment: Canonical splice site variant expected to result in aberrant splicing, although in the absence of functional evidence the actual effect of this sequence change is unknown.; Not observed at significant frequency in large population cohorts (gnomAD); Has not been previously published as pathogenic or benign to our knowledge

Literature cited by the submitters: PubMed 16199547 (cited by Labcorp Genetics (formerly Invitae), Labcorp); PubMed 20179744 (cited by Labcorp Genetics (formerly Invitae), Labcorp).